The following is an entry in ClinVar:

NM_175875.5(SIX5):c.2192T>C (p.Val731Ala)

Gene: SIX5 (SIX homeobox 5; minus strand). Cytogenetic location: 19q13.32.
Variant type: single nucleotide variant.
Coding change: c.2192T>C on transcript NM_175875.5 (MANE Select); coding-DNA position 2192, T replaced by C.
Protein change: p.Val731Ala; replaces valine 731 with alanine.
Molecular consequence: missense variant.
Genome position (GRCh38, 1-based): chr19:45,765,529, A>G on the plus strand (T>C on the coding strand, the complement: SIX5 is on the minus strand). VCF-style: chr19-45765529-A-G. GRCh37 (hg19) VCF-style: chr19-46268787-A-G.
Other names: short protein forms V731A.
Identifiers: ClinVar variation 2797281 (VCV002797281.4), dbSNP rs201416246, ClinGen allele CA308996462.

ClinVar aggregate classification (germline): Uncertain significance. Review status: criteria provided, multiple submitters, no conflicts (2 of 4 stars). 2 submissions from 2 submitters: Uncertain significance (2). Last evaluated 2025-11-11.

Conditions:
Branchiootorenal syndrome 2 (BOR2). Identifiers: Orphanet 107, MedGen C1970479, MONDO:0012575, OMIM 610896.

Allele frequency attached by ClinVar (database versions not stated): TOPMed 0.00001; gnomAD 0.00001; gnomAD exomes 0.00001.
gnomAD v4.1: 11 of 1,613,286 alleles (0.00068%); highest among the groups gnomAD compares: African/African-American, 0.0013%; no homozygotes.

Submissions (2):

Labcorp Genetics (formerly Invitae), Labcorp
Classification: Uncertain significance. Last evaluated: 2025-11-11. Review status: criteria provided, single submitter. Criteria: Invitae Variant Classification Sherloc (09022015). Collection method: clinical testing. Allele origin: germline.
Comment: This sequence change replaces valine, which is neutral and non-polar, with alanine, which is neutral and non-polar, at codon 731 of the SIX5 protein (p.Val731Ala). This variant is present in population databases (rs201416246, gnomAD 0.0009%). This variant has not been reported in the literature in individuals affected with SIX5-related conditions. ClinVar contains an entry for this variant (Variation ID: 2797281). An algorithm developed to predict the effect of missense changes on protein structure and function (PolyPhen-2) suggests that this variant is likely to be disruptive. In summary, the available evidence is currently insufficient to determine the role of this variant in disease. Therefore, it has been classified as a Variant of Uncertain Significance.

Fulgent Genetics
Classification: Uncertain significance for Branchiootorenal syndrome 2. Last evaluated: 2024-05-14. Review status: criteria provided, single submitter. Criteria: ACMG Guidelines, 2015. Collection method: clinical testing. Allele origin: germline.